The following is an entry in ClinVar:

NM_000152.5(GAA):c.1936G>A (p.Val646Ile)

Gene: GAA (alpha glucosidase; plus strand). Cytogenetic location: 17q25.3.
Variant type: single nucleotide variant.
Coding change: c.1936G>A on transcript NM_000152.5 (MANE Select); coding-DNA position 1936, G replaced by A.
Protein change: p.Val646Ile; replaces valine 646 with isoleucine.
Molecular consequence: missense variant.
Genome position (GRCh38, 1-based): chr17:80,112,923, G>A. VCF-style: chr17-80112923-G-A. GRCh37 (hg19) VCF-style: chr17-78086722-G-A.
Other names: c.1936G>A, p.Val646Ile (NM_001079803.3, NM_001079804.3); short protein forms V646I.
Identifiers: ClinVar variation 970369 (VCV000970369.41), dbSNP rs770029932, ClinGen allele CA8815553.

ClinVar aggregate classification (germline): Conflicting classifications of pathogenicity. Review status: criteria provided, conflicting classifications (1 of 4 stars). 5 submissions from 5 submitters: Uncertain significance (3); Likely benign (1). 1 of the submissions does not count toward it. Last evaluated 2024-12-10.

Conditions:
Cardiovascular phenotype. Identifiers: MedGen CN230736.
Glycogen storage disease, type II (IOPD). Also called: Glucosidase acid-1,4-alpha deficiency; Pompe Disease; CARDIOMEGALIA GLYCOGENICA DIFFUSA; GLYCOGENOSIS, GENERALIZED, CARDIAC FORM; GSD II; Glycogen storage disease type 2. Identifiers: Orphanet 365, MedGen C0017921, MONDO:0009290, OMIM 232300.

Allele frequency attached by ClinVar (database versions not stated): TOPMed 0.00001; gnomAD 0.00002 and 0.00003; gnomAD exomes 0.00003; ExAC 0.00005.
gnomAD v4.1: 24 of 1,610,724 alleles (0.0015%); highest among the groups gnomAD compares: South Asian, 0.0066%; no homozygotes.

Submissions (5):

Revvity Omics, Revvity
Classification: Uncertain significance. Last evaluated: 2024-12-10. Review status: criteria provided, single submitter. Criteria: ACMG Guidelines, 2015. Collection method: clinical testing. Allele origin: germline.

Ambry Genetics
Classification: Likely benign for Cardiovascular phenotype. Last evaluated: 2024-04-12. Review status: criteria provided, single submitter. Criteria: Ambry Variant Classification Scheme 2023. Collection method: clinical testing. Allele origin: germline.

CeGaT Center for Human Genetics Tuebingen
Classification: Uncertain significance. Last evaluated: 2022-08-01. Review status: criteria provided, single submitter. Criteria: CeGaT Center For Human Genetics Tuebingen Variant Classification Criteria Version 2. Collection method: clinical testing. Allele origin: germline. Affected: yes. Observed: 1 variant allele.
Comment: GAA: PM2, BP4

Labcorp Genetics (formerly Invitae), Labcorp
Classification: Uncertain significance for Glycogen storage disease, type II. Last evaluated: 2022-02-01. Review status: criteria provided, single submitter. Criteria: Invitae Variant Classification Sherloc (09022015). Collection method: clinical testing. Allele origin: germline.
Comment: This sequence change replaces valine, which is neutral and non-polar, with isoleucine, which is neutral and non-polar, at codon 646 of the GAA protein (p.Val646Ile). This variant is present in population databases (rs770029932, gnomAD 0.01%). This variant has not been reported in the literature in individuals affected with GAA-related conditions. ClinVar contains an entry for this variant (Variation ID: 970369). Advanced modeling of protein sequence and biophysical properties (such as structural, functional, and spatial information, amino acid conservation, physicochemical variation, residue mobility, and thermodynamic stability) performed at Invitae indicates that this missense variant is not expected to disrupt GAA protein function. In summary, the available evidence is currently insufficient to determine the role of this variant in disease. Therefore, it has been classified as a Variant of Uncertain Significance.

Natera, Inc.
Classification: Uncertain significance for Glycogen storage disease type II. Last evaluated: 2020-05-09. Review status: no assertion criteria provided. Collection method: clinical testing. Allele origin: germline. Not counted in ClinVar's aggregate classification.